The following is an entry in ClinVar:

ClinVar aggregate classification (germline): Uncertain significance (1 of 4 stars; one submission).

Conditions:
Familial cancer of breast. Also called: Hereditary breast cancer; hereditary breast carcinoma; BREAST CANCER, FAMILIAL. Identifiers: Orphanet 227535, MedGen C0346153, MONDO:0016419, OMIM 114480. Disease mechanism: loss of function.

Submission:

Labcorp Genetics (formerly Invitae), Labcorp
Classification: Uncertain significance for Hereditary Breast Carcinoma. Last evaluated: 2019-06-21. Review status: criteria provided, single submitter. Criteria: Invitae Variant Classification Sherloc (09022015). Collection method: clinical testing. Allele origin: germline.
Comment: This variant results in a copy number gain of the genomic region encompassing exons 5-15 of the CHEK2 gene. The 5' boundary is likely confined to intron 4. The 3' end of this event is unknown as it extends beyond the assayed region for this gene and therefore may encompass additional genes. As the precise location of this event is unknown, it may be in tandem or it may be located elsewhere in the genome. This variant has not been reported in the literature in individuals with CHEK2-related disease. Experimental studies and prediction algorithms are not available for this variant, and the functional significance of this copy number gain is currently unknown. In summary, the available evidence is currently insufficient to determine the role of this variant in disease. Therefore, it has been classified as a Variant of Uncertain Significance.

NC_000022.10:g.(?_29083875)_(29115483_?)dup

Gene: CHEK2 (checkpoint kinase 2; minus strand). Cytogenetic location: 22q12.1.
Variant type: Duplication.
Identifiers: ClinVar variation 583764 (VCV000583764.4).